The following is an entry in ClinVar:

ClinVar aggregate classification (germline): Conflicting classifications of pathogenicity. Review status: criteria provided, conflicting classifications (1 of 4 stars). 16 submissions from 15 submitters: Uncertain significance (2); Benign (5); Likely benign (8). 1 of the submissions does not count toward it. Last evaluated 2026-07-01.

Conditions:
Hyperparathyroidism. Identifiers: MedGen C0020502, MONDO:0001741, HP:0000843.
Hereditary cancer-predisposing syndrome. Also called: Hereditary neoplastic syndrome; Tumor predisposition; Neoplastic Syndromes, Hereditary; Hereditary Cancer Syndrome. Identifiers: Orphanet 140162, MedGen C0027672, MeSH D009386, MONDO:0015356.
Multiple endocrine neoplasia, type 1 (MEN1). Also called: MEA I; MEN I; WERMER SYNDROME; Endocrine adenomatosis multiple; MEN 1. Identifiers: Orphanet 652, MedGen C0025267, MeSH D018761, MONDO:0007540, OMIM 131100.

Allele frequency attached by ClinVar (database versions not stated): gnomAD 0.00011 and 0.00012; TOPMed 0.00041; ExAC 0.00083; gnomAD exomes 0.00105.
gnomAD v4.1: 291 of 1,596,916 alleles (0.018%); highest among the groups gnomAD compares: Admixed American, 0.45%; 3 homozygotes.

Submissions (16):

CeGaT Center for Human Genetics Tuebingen
Classification: Likely benign. Last evaluated: 2026-07-01. Review status: criteria provided, single submitter. Criteria: CeGaT Center For Human Genetics Tuebingen Variant Classification Criteria Version 2. Collection method: clinical testing. Allele origin: germline. Affected: yes. Observed: 9 variant alleles.
Comment: MEN1: BS1

Labcorp Genetics (formerly Invitae), Labcorp
Classification: Benign for Multiple endocrine neoplasia, type 1. Last evaluated: 2026-02-03. Review status: criteria provided, single submitter. Criteria: Invitae Variant Classification Sherloc (09022015). Collection method: clinical testing. Allele origin: germline.

Mayo Clinic Laboratories, Mayo Clinic
Classification: Likely benign. Last evaluated: 2025-05-27. Review status: criteria provided, single submitter. Criteria: ACMG Guidelines, 2015. Collection method: clinical testing. Allele origin: germline. Observed: 2 variant alleles.
Comment: BS1, BP6

Myriad Genetics, Inc.
Classification: Uncertain significance for Multiple endocrine neoplasia, type 1. Last evaluated: 2023-04-17. Review status: criteria provided, single submitter. Criteria: Myriad Autosomal Dominant, Autosomal Recessive and X-Linked Classification Criteria (2023). Collection method: clinical testing. Allele origin: unknown.
Comment: This variant is classified as a variant of uncertain significance as there is insufficient evidence to determine its impact on protein function and/or cancer risk.

Women's Health and Genetics/Laboratory Corporation of America, LabCorp
Classification: Likely benign. Last evaluated: 2022-12-23. Review status: criteria provided, single submitter. Criteria: LabCorp Variant Classification Summary - May 2015. Collection method: clinical testing. Allele origin: germline.

Color Diagnostics, LLC DBA Color Health
Classification: Benign for Multiple endocrine neoplasia, type 1. Last evaluated: 2022-11-06. Review status: criteria provided, single submitter. Criteria: ACMG Guidelines, 2015. Collection method: clinical testing. Allele origin: germline.

Blueprint Genetics
Classification: Likely benign. Last evaluated: 2021-07-05. Review status: criteria provided, single submitter. Criteria: ACMG Guidelines, 2015. Collection method: clinical testing. Allele origin: germline.

Sema4
Classification: Likely benign for Hereditary cancer-predisposing syndrome. Last evaluated: 2021-01-21. Review status: criteria provided, single submitter. Criteria: Sema4 Curation Guidelines. Collection method: curation. Allele origin: germline.

Genetic Services Laboratory, University of Chicago
Classification: Benign. Last evaluated: 2020-07-30. Review status: criteria provided, single submitter. Criteria: ACMG Guidelines, 2015. Collection method: clinical testing. Allele origin: germline. Affected: no.

Ambry Genetics
Classification: Likely benign for Hereditary cancer-predisposing syndrome. Last evaluated: 2019-04-12. Review status: criteria provided, single submitter. Criteria: Ambry Variant Classification Scheme 2023. Collection method: clinical testing. Allele origin: germline.

Illumina Laboratory Services, Illumina
Classification: Uncertain significance for Hyperparathyroidism. Last evaluated: 2018-06-07. Review status: criteria provided, single submitter. Criteria: ICSL Variant Classification Criteria 13 December 2019. Collection method: clinical testing. Allele origin: germline.

Illumina Laboratory Services, Illumina
Classification: Benign for Multiple endocrine neoplasia, type 1. Last evaluated: 2018-06-07. Review status: criteria provided, single submitter. Criteria: ICSL Variant Classification Criteria 13 December 2019. Collection method: clinical testing. Allele origin: germline.
Comment: This variant was observed as part of a predisposition screen in an ostensibly healthy population. A literature search was performed for the gene, cDNA change, and amino acid change (where applicable). No publications were found based on this search. Allele frequency data from public databases was too high to be consistent with this variant causing disease. Therefore, this variant is classified as benign.

GeneDx
Classification: Likely benign. Last evaluated: 2017-10-25. Review status: criteria provided, single submitter. Criteria: GeneDx Variant Classification (06012015). Collection method: clinical testing. Allele origin: germline. Affected: yes.
Comment: This variant is considered likely benign or benign based on one or more of the following criteria: it is a conservative change, it occurs at a poorly conserved position in the protein, it is predicted to be benign by multiple in silico algorithms, and/or has population frequency not consistent with disease.

PreventionGenetics, part of Exact Sciences
Classification: Benign. Last evaluated: 2016-12-22. Review status: criteria provided, single submitter. Criteria: ACMG Guidelines, 2015. Collection method: clinical testing. Allele origin: germline.

Center for Human Genetics, Inc
Classification: Likely benign for Multiple endocrine neoplasia, type 1. Last evaluated: 2016-11-01. Review status: criteria provided, single submitter. Criteria: ACMG Guidelines, 2015. Collection method: clinical testing. Allele origin: germline. Affected: yes.

Counsyl
Classification: Likely benign for Multiple endocrine neoplasia, type 1. Last evaluated: 2015-12-23. Review status: no assertion criteria provided. Collection method: clinical testing. Allele origin: unknown. Not counted in ClinVar's aggregate classification.

NM_001370259.2(MEN1):c.1409C>T (p.Pro470Leu)

Gene: MEN1 (menin 1; minus strand). Cytogenetic location: 11q13.1.
Variant type: single nucleotide variant.
Coding change: c.1409C>T on transcript NM_001370259.2 (MANE Select); coding-DNA position 1409, C replaced by T.
Protein change: p.Pro470Leu; replaces proline 470 with leucine.
Molecular consequence: missense variant.
Genome position (GRCh38, 1-based): chr11:64,804,758, G>A on the plus strand (C>T on the coding strand, the complement: MEN1 is on the minus strand). VCF-style: chr11-64804758-G-A. GRCh37 (hg19) VCF-style: chr11-64572230-G-A.
Other names: p.Pro470Leu; c.1424C>T, p.Pro475Leu (NM_000244.4, NM_130800.3, NM_130801.3 and 3 more transcripts); c.1535C>T, p.Pro512Leu (NM_001370251.2); c.1409C>T, p.Pro470Leu (NM_001370260.2, NM_001370261.2, NM_130799.3); c.1304C>T, p.Pro435Leu (NM_001370262.2, NM_001370263.2); short protein forms P470L, P475L, P435L, P512L.
Identifiers: ClinVar variation 188099 (VCV000188099.37), dbSNP rs750112288, ClinGen allele CA009169.